The following is an entry in ClinVar:

ClinVar aggregate classification (germline): Likely benign (0 of 4 stars; one submission).

Conditions:
MYCBP2-related disorder. Also called: MYCBP2-related condition.

Allele frequency attached by ClinVar (database versions not stated): 1000 Genomes Project 30x 0.00016; 1000 Genomes Project 0.00020; ExAC 0.00025; gnomAD exomes 0.00026; TOPMed 0.00040; gnomAD 0.00044; ESP Exome Variant Server 0.00054.
gnomAD v4.1: 457 of 1,614,074 alleles (0.028%); highest among the groups gnomAD compares: Admixed American, 0.1%; no homozygotes.

Submission:

PreventionGenetics, part of Exact Sciences
Classification: Likely benign for MYCBP2-related condition. Last evaluated: 2019-07-12. Review status: no assertion criteria provided. Collection method: clinical testing. Allele origin: germline.
Comment: This variant is classified as likely benign based on ACMG/AMP sequence variant interpretation guidelines (Richards et al. 2015 PMID: 25741868, with internal and published modifications).

NM_015057.5(MYCBP2):c.5604C>T (p.Asn1868=)

Gene: MYCBP2 (MYC binding protein 2; minus strand). Cytogenetic location: 13q22.3.
Variant type: single nucleotide variant.
Coding change: c.5604C>T on transcript NM_015057.5 (MANE Select); coding-DNA position 5604, C replaced by T.
Protein change: p.Asn1868=; no amino-acid change (asparagine 1868 retained).
Molecular consequence: synonymous variant.
Genome position (GRCh38, 1-based): chr13:77,174,358, G>A on the plus strand (C>T on the coding strand, the complement: MYCBP2 is on the minus strand). VCF-style: chr13-77174358-G-A. GRCh37 (hg19) VCF-style: chr13-77748493-G-A.
Identifiers: ClinVar variation 3049362 (VCV003049362.2), dbSNP rs117908295, ClinGen allele CA7009461.